The following is an entry in ClinVar:

NM_000492.4(CFTR):c.274-5842A>G

Gene: CFTR (CF transmembrane conductance regulator; plus strand). Cytogenetic location: 7q31.2.
Variant type: single nucleotide variant.
Coding change: c.274-5842A>G on transcript NM_000492.4 (MANE Select); 5842 bases into the intron before coding-DNA position 274, A replaced by G.
Molecular consequence: intron variant.
Genome position (GRCh38, 1-based): chr7:117,525,057, A>G. VCF-style: chr7-117525057-A-G. GRCh37 (hg19) VCF-style: chr7-117165111-A-G.
Identifiers: ClinVar variation 4280070 (VCV004280070.1).

ClinVar aggregate classification (germline): Uncertain significance (1 of 4 stars; one submission).

Conditions:
Cystic fibrosis (CF). Also called: MUCOVISCIDOSIS. Identifiers: Orphanet 586, MedGen C0010674, MONDO:0009061, OMIM 219700. Disease mechanism: loss of function.

gnomAD v4.1: 8 of 152,352 alleles (0.0053%); highest among the groups gnomAD compares: Non-Finnish European, 0.0059%; no homozygotes.

Submission:

Johns Hopkins Genomics, Johns Hopkins University
Classification: Uncertain significance for Cystic fibrosis. Last evaluated: 2025-03-10. Review status: criteria provided, single submitter. Criteria: ACMG Guidelines, 2015. Collection method: clinical testing. Allele origin: germline.
Comment: The clinical significance of this variant is uncertain (PM2).